The following is an entry in ClinVar:

NM_000377.3(WAS):c.128G>A (p.Cys43Tyr)

Gene: WAS (WASP actin nucleation promoting factor; plus strand). Cytogenetic location: Xp11.23.
Variant type: single nucleotide variant.
Coding change: c.128G>A on transcript NM_000377.3 (MANE Select); coding-DNA position 128, G replaced by A.
Protein change: p.Cys43Tyr; replaces cysteine 43 with tyrosine.
Molecular consequence: missense variant.
Genome position (GRCh38, 1-based): chrX:48,683,981, G>A. VCF-style: chrX-48683981-G-A. GRCh37 (hg19) VCF-style: chrX-48542370-G-A.
Other names: short protein forms C43Y.
Identifiers: ClinVar variation 1684332 (VCV001684332.1), dbSNP rs2147262523, ClinGen allele CA412865923.

ClinVar aggregate classification (germline): Likely pathogenic (0 of 4 stars; one submission).

Conditions:
Wiskott-Aldrich syndrome (WAS). Also called: ALDRICH SYNDROME; IMMUNODEFICIENCY 2; Wiskott-aldrich syndrome, somatic; WISKOTT-ALDRICH SYNDROME 1. Identifiers: Orphanet 906, MedGen C0043194, MONDO:0010518, OMIM 301000.

Submission:

ISTH-SSC Genomics in Thrombosis and Hemostasis, KU Leuven, Center for Molecular and Vascular Biology
Classification: Likely pathogenic for Wiskott-Aldrich syndrome. Review status: no assertion criteria provided. Collection method: research. Allele origin: maternal. Affected: yes.
Comment: Submitted to GoldVariant by Harald Schulze from Institute of Experimental Biomedicine, University Hospital of Würzburg, Würzburg, Germany